The following is an entry in ClinVar:

ClinVar aggregate classification (germline): Benign (1 of 4 stars; one submission).

Allele frequency attached by ClinVar (database versions not stated): TOPMed 0.09235; gnomAD 0.10108; 1000 Genomes Project 0.07708; 1000 Genomes Project 30x 0.07901.
gnomAD v4.1: 14,762 of 152,272 alleles (9.7%); highest among the groups gnomAD compares: African/African-American, 12%; 805 homozygotes.

Submission:

GeneDx
Classification: Benign. Last evaluated: 2018-06-14. Review status: criteria provided, single submitter. Criteria: GeneDx Variant Classification (06012015). Collection method: clinical testing. Allele origin: germline. Affected: yes.
Comment: This variant is considered likely benign or benign based on one or more of the following criteria: it is a conservative change, it occurs at a poorly conserved position in the protein, it is predicted to be benign by multiple in silico algorithms, and/or has population frequency not consistent with disease.

NM_153717.3(EVC):c.1315+271C>T

Gene: EVC (EvC ciliary complex subunit 1; plus strand). Cytogenetic location: 4p16.2.
Variant type: single nucleotide variant.
Coding change: c.1315+271C>T on transcript NM_153717.3 (MANE Select); 271 bases into the intron after coding-DNA position 1315, C replaced by T.
Molecular consequence: intron variant.
Genome position (GRCh38, 1-based): chr4:5,753,323, C>T. VCF-style: chr4-5753323-C-T. GRCh37 (hg19) VCF-style: chr4-5755050-C-T.
Other names: c.1315+271C>T (NM_001306090.2, NM_001306092.2).
Identifiers: ClinVar variation 673039 (VCV000673039.1), dbSNP rs11731603, ClinGen allele CA11799526.
Genomic context (GRCh38, chr4:5,753,323, plus strand): 5'-CCAGGGCAGGGGTCACCTGCTGCACTCACTCACCAGGGATTCCGGCTGATTGAGTCCCCA[C>T]GTCCTGCAGCAAAGCCACCAGGAACTGCAGAGGGACAGAGGAGGGTGAAGGGTCTCACTA-3'